The following is an entry in ClinVar:

ClinVar aggregate classification (germline): Likely benign. Review status: reviewed by expert panel (3 of 4 stars). 3 submissions from 3 submitters: Likely benign (1). 2 of the submissions do not count toward it. Last evaluated 2024-09-18.

Conditions:
Hereditary thrombocytopenia and hematologic cancer predisposition syndrome. Identifiers: Orphanet 71290, MedGen CN281654, MONDO:0011071.
Hereditary thrombocytopenia and hematological cancer predisposition syndrome associated with RUNX1. Also called: RUNX1 Familial Platelet Disorder with Associated Myeloid Malignancies; Familial Platelet Disorder with Propensity to Acute Myelogenous Leukemia; Familial thrombocytopenia with propensity to acute myelogenous leukemia; PLATELET DISORDER, ASPIRIN-LIKE. Identifiers: Orphanet 71290, MedGen C1832388, MeSH C563324, MONDO:0100083, OMIM 601399.
Inborn genetic diseases. Identifiers: MedGen C0950123, MeSH D030342.

Allele frequency attached by ClinVar (database versions not stated): gnomAD exomes below 0.00001.
gnomAD v4.1: 1 of 1,501,292 alleles (0.000067%); highest among the groups gnomAD compares: Non-Finnish European, 0.000088%; no homozygotes.

Submissions (3):

ClinGen Myeloid Malignancy Variant Curation Expert Panel
Classification: Likely benign for Hereditary thrombocytopenia and hematologic cancer predisposition syndrome. Last evaluated: 2024-09-18. Review status: reviewed by expert panel. Criteria: ClinGen MyeloMalig ACMG Specifications v2. Collection method: curation. Allele origin: germline. Inheritance: Autosomal dominant inheritance.
Comment: NM_001754.5(RUNX1):c.1428G>T (p.Val476=) is a synonymous variant which has a SpliceAI score ≤ 0.20 (0.0) (BP4). This variant has a SpliceAI score ≤ 0.20 (0.0) and evolutionary conservation algorithms predict the site as not being conserved (PhyloP score ≤ 2.0 (-0.13) (BP7). This variant is completely absent from all population databases with at least 20x coverage for RUNX1 (PM2_Supporting). In summary, this variant meets criteria to be classified as likely benign. ACMG/AMP criteria applied, as specified by the Myeloid Malignancy Variant Curation Expert Panel for RUNX1: BP4, BP7, PM2_supporting.

Ambry Genetics
Classification: Likely benign for Inborn genetic diseases. Last evaluated: 2025-04-18. Review status: criteria provided, single submitter. Criteria: Ambry Variant Classification Scheme 2023. Collection method: clinical testing. Allele origin: germline. Not counted in ClinVar's aggregate classification.

Labcorp Genetics (formerly Invitae), Labcorp
Classification: Likely benign for Hereditary thrombocytopenia and hematological cancer predisposition syndrome associated with RUNX1. Last evaluated: 2023-03-03. Review status: criteria provided, single submitter. Criteria: Invitae Variant Classification Sherloc (09022015). Collection method: clinical testing. Allele origin: germline. Not counted in ClinVar's aggregate classification.

NM_001754.5(RUNX1):c.1428G>T (p.Val476=)

Gene: RUNX1 (RUNX family transcription factor 1; minus strand). Cytogenetic location: 21q22.12.
Variant type: single nucleotide variant.
Coding change: c.1428G>T on transcript NM_001754.5 (MANE Select); coding-DNA position 1428, G replaced by T.
Protein change: p.Val476=; no amino-acid change (valine 476 retained).
Molecular consequence: synonymous variant.
Genome position (GRCh38, 1-based): chr21:34,792,150, C>A on the plus strand (G>T on the coding strand, the complement: RUNX1 is on the minus strand). VCF-style: chr21-34792150-C-A. GRCh37 (hg19) VCF-style: chr21-36164447-C-A.
Other names: NM_001754.5(RUNX1):c.1428G>T; p.Val476=; c.1347G>T, p.Val449= (NM_001001890.3); c.1428G>T (NM_001754.4).
Identifiers: ClinVar variation 1571183 (VCV001571183.10), dbSNP rs2145871684, ClinGen allele CA512232105.
Genomic context (GRCh38, chr21:34,792,150, plus strand): 5'-CGAAGGCGGCGGCCCGCGGGGCCCAGCCGGGCCAGGCCTGGCGCCTCAGTAGGGCCTCCA[C>A]ACGGCCTCCTCCAGGCGCGCGGAGGGCGCCATGTTGGTGGGGGAGTTGCTGTGGCTGCCC-3'
Protein context (NP_001745.2, residues 466-480): MAPSARLEEA[Val476=]WRPY